The following is an entry in ClinVar:

ClinVar aggregate classification (germline): Likely benign (1 of 4 stars; one submission).

Allele frequency attached by ClinVar (database versions not stated): 1000 Genomes Project 30x 0.00109.

Submission:

CeGaT Center for Human Genetics Tuebingen
Classification: Likely benign. Last evaluated: 2023-10-01. Review status: criteria provided, single submitter. Criteria: CeGaT Center For Human Genetics Tuebingen Variant Classification Criteria Version 2. Collection method: clinical testing. Allele origin: germline. Affected: yes. Observed: 1 variant allele.
Comment: STAP2: BP4, BP7

NM_001013841.2(STAP2):c.1073-68A>G

Gene: STAP2 (signal transducing adaptor family member 2; minus strand). Cytogenetic location: 19p13.3.
Variant type: single nucleotide variant.
Coding change: c.1073-68A>G on transcript NM_001013841.2 (MANE Select); 68 bases into the intron before coding-DNA position 1073, A replaced by G.
Molecular consequence: intron variant. On other transcripts: synonymous variant (1).
Genome position (GRCh38, 1-based): chr19:4,324,597, T>C on the plus strand (A>G on the coding strand, the complement: STAP2 is on the minus strand). VCF-style: chr19-4324597-T-C. GRCh37 (hg19) VCF-style: chr19-4324594-T-C.
Other names: c.1143A>G, p.Ser381= (NM_017720.3).
Identifiers: ClinVar variation 2649035 (VCV002649035.24), dbSNP rs1202923057, ClinGen allele CA505165825.